The following is an entry in ClinVar:

NM_000428.3(LTBP2):c.1595G>A (p.Arg532Gln)

Gene: LTBP2 (latent transforming growth factor beta binding protein 2; minus strand). Cytogenetic location: 14q24.3.
Variant type: single nucleotide variant.
Coding change: c.1595G>A on transcript NM_000428.3 (MANE Select); coding-DNA position 1595, G replaced by A.
Protein change: p.Arg532Gln; replaces arginine 532 with glutamine.
Molecular consequence: missense variant.
Genome position (GRCh38, 1-based): chr14:74,551,155, C>T on the plus strand (G>A on the coding strand, the complement: LTBP2 is on the minus strand). VCF-style: chr14-74551155-C-T. GRCh37 (hg19) VCF-style: chr14-75017858-C-T.
Other names: short protein forms R532Q.
Identifiers: ClinVar variation 1315414 (VCV001315414.6), dbSNP rs140234036, ClinGen allele CA7269836.
Genomic context (GRCh38, chr14:74,551,155, plus strand): 5'-CCCAGCAGTCCTCGAGGCCTGGGTGCTGCTGGGGGCAGTGGCCGAGGGGGCTCTCCAGAC[C>T]GAGCAGGGATGTTGTTGCTGTCCCAGAGGCTGTGGCCAGGGCTGGCAGGCAGCCAGGGCG-3'
Protein context (NP_000419.1, residues 522-542): SLWDSNNIPA[Arg532Gln]SGEPPRPLPP

ClinVar aggregate classification (germline): Uncertain significance. Review status: criteria provided, multiple submitters, no conflicts (2 of 4 stars). 3 submissions from 3 submitters: Uncertain significance (3). Last evaluated 2024-11-15.

Conditions:
Inborn genetic diseases. Identifiers: MedGen C0950123, MeSH D030342.

Allele frequency attached by ClinVar (database versions not stated): ExAC 0.00008; TOPMed 0.00029; ESP Exome Variant Server 0.00038.
gnomAD v4.1: 109 of 1,613,794 alleles (0.0068%); highest among the groups gnomAD compares: African/African-American, 0.1%; 1 homozygote.

Submissions (3):

Ambry Genetics
Classification: Uncertain significance for Inborn genetic diseases. Last evaluated: 2024-11-15. Review status: criteria provided, single submitter. Criteria: Ambry Variant Classification Scheme 2023. Collection method: clinical testing. Allele origin: germline.

Labcorp Genetics (formerly Invitae), Labcorp
Classification: Uncertain significance. Last evaluated: 2022-04-11. Review status: criteria provided, single submitter. Criteria: Invitae Variant Classification Sherloc (09022015). Collection method: clinical testing. Allele origin: germline.
Comment: This sequence change replaces arginine, which is basic and polar, with glutamine, which is neutral and polar, at codon 532 of the LTBP2 protein (p.Arg532Gln). This variant is present in population databases (rs140234036, gnomAD 0.07%). This variant has not been reported in the literature in individuals affected with LTBP2-related conditions. ClinVar contains an entry for this variant (Variation ID: 1315414). Algorithms developed to predict the effect of missense changes on protein structure and function output the following: SIFT: "Tolerated"; PolyPhen-2: "Benign"; Align-GVGD: "Class C0". The glutamine amino acid residue is found in multiple mammalian species, which suggests that this missense change does not adversely affect protein function. Algorithms developed to predict the effect of sequence changes on RNA splicing suggest that this variant may create or strengthen a splice site. In summary, the available evidence is currently insufficient to determine the role of this variant in disease. Therefore, it has been classified as a Variant of Uncertain Significance.

GeneDx
Classification: Uncertain significance. Last evaluated: 2020-02-25. Review status: criteria provided, single submitter. Criteria: GeneDx Variant Classification Process June 2021. Collection method: clinical testing. Allele origin: germline. Affected: yes.
Comment: In silico analysis supports that this missense variant does not alter protein structure/function; Has not been previously published as pathogenic or benign to our knowledge